The following is an entry in ClinVar:

ClinVar aggregate classification (germline): Pathogenic/Likely pathogenic. Review status: criteria provided, multiple submitters, no conflicts (2 of 4 stars). 2 submissions from 2 submitters: Pathogenic (1); Likely pathogenic (1). Last evaluated 2023-08-25.

Conditions:
CCM2-related disorder. Also called: CCM2-related condition.
Cerebral cavernous malformation 2. Also called: Familial Cerebral Cavernous Malformation 2. Identifiers: Orphanet 221061, MedGen C1864041, MONDO:0011304, OMIM 603284.

Submissions (2):

PreventionGenetics, part of Exact Sciences
Classification: Likely pathogenic for CCM2-related condition. Last evaluated: 2023-08-25. Review status: criteria provided, single submitter. Criteria: ACMG Guidelines, 2015. Collection method: clinical testing. Allele origin: germline.
Comment: The CCM2 c.1078A>T variant is predicted to result in premature protein termination (p.Lys360*). To our knowledge, this variant has not been reported in the literature or in a large population database, indicating this variant is rare. Nonsense variants in CCM2 are expected to be pathogenic. This variant is interpreted as pathogenic.

Labcorp Genetics (formerly Invitae), Labcorp
Classification: Pathogenic for Cerebral cavernous malformation 2. Last evaluated: 2019-12-03. Review status: criteria provided, single submitter. Criteria: Invitae Variant Classification Sherloc (09022015). Collection method: clinical testing. Allele origin: germline.
Comment: This sequence change results in a premature translational stop signal in the CCM2 gene (p.Lys360*). While this is not anticipated to result in nonsense mediated decay, it is expected to disrupt the last 85 amino acids of the CCM2 protein. This variant is not present in population databases (ExAC no frequency). This variant has not been reported in the literature in individuals with CCM2-related conditions. This variant disrupts the C-terminus of the CCM2 protein. Other variant(s) that disrupt this region (p.Glu417Glyfs*3) have been determined to be pathogenic (PMID: 14740320). This suggests that variants that disrupt this region of the protein are likely to be causative of disease. For these reasons, this variant has been classified as Pathogenic.

Literature cited by the submitters: PubMed 14740320 (cited by Labcorp Genetics (formerly Invitae), Labcorp).

NM_031443.4(CCM2):c.1078A>T (p.Lys360Ter)

Gene: CCM2 (CCM2 scaffold protein; plus strand). Cytogenetic location: 7p13.
Variant type: single nucleotide variant.
Coding change: c.1078A>T on transcript NM_031443.4 (MANE Select); coding-DNA position 1078, A replaced by T.
Protein change: p.Lys360Ter; replaces lysine 360 with a stop codon.
Molecular consequence: nonsense. On other transcripts: non-coding transcript variant (1).
Genome position (GRCh38, 1-based): chr7:45,075,800, A>T. VCF-style: chr7-45075800-A-T. GRCh37 (hg19) VCF-style: chr7-45115399-A-T.
Other names: c.1141A>T, p.Lys381Ter (NM_001029835.2); c.904A>T, p.Lys302Ter (NM_001167934.2); c.805A>T, p.Lys269Ter (NM_001167935.2); c.1201A>T, p.Lys401Ter (NM_001363458.2); c.1027A>T, p.Lys343Ter (NM_001363459.2); short protein forms K343*, K269*, K360*, K302*, K381*, K401*.
Identifiers: ClinVar variation 849329 (VCV000849329.10), dbSNP rs767248510, ClinGen allele CA367431555.
Genomic context (GRCh38, chr7:45,075,800, plus strand): 5'-AACTGGAGGTGCCATGCTGGGTGTTGTGTGTCTGCAGGTCTGAGGCCCTTCATCCCTGAG[A>T]AGGACAGCCAGCACTTCGAGAACTTCCTGGAGACCATTGGCGTGAAGGATGGCCGCGGCA-3'